The following is an entry in ClinVar:

NM_022336.4(EDAR):c.*2141T>C

Genes: EDAR (ectodysplasin A receptor; minus strand), RANBP2 (RAN binding protein 2; plus strand). Cytogenetic location: 2q13.
Variant type: single nucleotide variant.
Coding change: c.*2141T>C on transcript NM_022336.4 (MANE Select); 2141 bases downstream of the stop codon, T replaced by C.
Molecular consequence: 3 prime UTR variant.
Genome position (GRCh38, 1-based): chr2:108,894,766, A>G on the plus strand (T>C on the coding strand, the complement: EDAR is on the minus strand). VCF-style: chr2-108894766-A-G. GRCh37 (hg19) VCF-style: chr2-109511222-A-G.
Identifiers: ClinVar variation 894455 (VCV000894455.4), dbSNP rs566201941, ClinGen allele CA53462707.
Genomic context (GRCh38, chr2:108,894,766, plus strand): 5'-CCATAACATAGGCTAAAGCTTGTCAGAGTAAATCCCATGTTTCCAAATAAGTAAATGACA[A>G]GGGAATTTGTAACTATATAAGGAATAGCTCCCTAAAAATGGCAGGTGGAGAGCCAATGGA-3'

ClinVar aggregate classification (germline): Benign (1 of 4 stars; one submission).

Conditions:
Hypohidrotic ectodermal dysplasia (HED). Identifiers: Orphanet 238468, MedGen C5848103, MONDO:0016535, HP:0007607.

Allele frequency attached by ClinVar (database versions not stated): TOPMed 0.00003; gnomAD 0.00024 and below 0.00001; 1000 Genomes Project 30x 0.00234; 1000 Genomes Project 0.00180.

Submission:

Illumina Laboratory Services, Illumina
Classification: Benign for Hypohidrotic ectodermal dysplasia. Last evaluated: 2018-01-12. Review status: criteria provided, single submitter. Criteria: ICSL Variant Classification Criteria 13 December 2019. Collection method: clinical testing. Allele origin: germline.
Comment: This variant was observed in the ICSL laboratory as part of a predisposition screen in an ostensibly healthy population. It had not been previously curated by ICSL or reported in the Human Gene Mutation Database (HGMD: prior to June 1st, 2018), and was therefore a candidate for classification through an automated scoring system. Utilizing variant allele frequency, disease prevalence and penetrance estimates, and inheritance mode, an automated score was calculated to assess if this variant is too frequent to cause the disease. Based on the score and internal cut-off values, a variant classified as benign is not then subjected to further curation. The score for this variant resulted in a classification of benign for this disease.